The following is an entry in ClinVar:

NM_004415.4(DSP):c.888C>A (p.Tyr296Ter)

Gene: DSP (desmoplakin; plus strand). Cytogenetic location: 6p24.3.
Variant type: single nucleotide variant.
Coding change: c.888C>A on transcript NM_004415.4 (MANE Select); coding-DNA position 888, C replaced by A.
Protein change: p.Tyr296Ter; replaces tyrosine 296 with a stop codon.
Molecular consequence: nonsense.
Genome position (GRCh38, 1-based): chr6:7,565,469, C>A. VCF-style: chr6-7565469-C-A. GRCh37 (hg19) VCF-style: chr6-7565702-C-A.
Other names: c.888C>A, p.Tyr296Ter (NM_001008844.3, NM_001319034.2); short protein forms Y296*.
Identifiers: ClinVar variation 1426433 (VCV001426433.7), dbSNP rs149701627, ClinGen allele CA362674520.
Genomic context (GRCh38, chr6:7,565,469, plus strand): 5'-TCAGGCCACGTCCAGGGAGATCATGTGGATCAATGACTGCGAGGAGGAGGAGCTGCTGTA[C>A]GACTGGAGCGACAAGAACACCAACATCGCTCAGAAACAGGAGGCCTTCTCCGTAAGTTCA-3'

ClinVar aggregate classification (germline): Pathogenic (1 of 4 stars; one submission).

Conditions:
Arrhythmogenic cardiomyopathy with wooly hair and keratoderma. Also called: PALMOPLANTAR KERATODERMA WITH LEFT VENTRICULAR CARDIOMYOPATHY AND WOOLLY HAIR; Carvajal syndrome; Dilated cardiomyopathy with woolly hair and keratoderma; Arrhythmogenic cardiomyopathy with woolly hair and keratoderma. Identifiers: Orphanet 65282, MedGen C1854063, MONDO:0011581, OMIM 605676.
Arrhythmogenic right ventricular dysplasia 8 (ARVD8). Also called: Arrhythmogenic Right Ventricular Dysplasia/Cardiomyopathy 8; ARRHYTHMOGENIC RIGHT VENTRICULAR DYSPLASIA, FAMILIAL, 8; ARRHYTHMOGENIC RIGHT VENTRICULAR CARDIOMYOPATHY 8. Identifiers: MedGen C1843896, MONDO:0011831, OMIM 607450.

Submissions (2):

Labcorp Genetics (formerly Invitae), Labcorp
Classification: Pathogenic for Arrhythmogenic cardiomyopathy with wooly hair and keratoderma; Arrhythmogenic right ventricular dysplasia 8. Last evaluated: 2021-09-08. Review status: criteria provided, single submitter. Criteria: Invitae Variant Classification Sherloc (09022015). Collection method: clinical testing. Allele origin: germline.
Comment: This sequence change creates a premature translational stop signal (p.Tyr296*) in the DSP gene. It is expected to result in an absent or disrupted protein product. Loss-of-function variants in DSP are known to be pathogenic (PMID: 20716751, 24503780, 25227139). For these reasons, this variant has been classified as Pathogenic. Algorithms developed to predict the effect of sequence changes on RNA splicing suggest that this variant may create or strengthen a splice site. This variant has not been reported in the literature in individuals affected with DSP-related conditions. This variant is not present in population databases (ExAC no frequency).

Dr. Peter K. Rogan Lab, Western University
No classification provided (evidence only). Condition: Gastric cancer. Review status: no classification provided. Collection method: in vitro. Allele origin: not applicable. Functional consequence: retained intron. Not counted in ClinVar's aggregate classification.

Literature cited by the submitters: PubMed 20716751 (cited by Labcorp Genetics (formerly Invitae), Labcorp); PubMed 24503780 (cited by Labcorp Genetics (formerly Invitae), Labcorp); PubMed 25227139 (cited by Labcorp Genetics (formerly Invitae), Labcorp).